The following is an entry in ClinVar:

ClinVar aggregate classification (germline): Uncertain significance (1 of 4 stars; one submission).

gnomAD v4.1: 3 of 1,614,030 alleles (0.00019%); highest among the groups gnomAD compares: Non-Finnish European, 0.00025%; no homozygotes.

Submission:

GeneDx
Classification: Uncertain significance. Last evaluated: 2025-06-13. Review status: criteria provided, single submitter. Criteria: GeneDx Variant Classification Process June 2021. Collection method: clinical testing. Allele origin: germline. Affected: yes.
Comment: Reported previously as a de novo variant in a patient with developmental delay, intellectual disability, cerebral atrophy, ptosis, behavior problems, and mild hypothyroidism; however, the patient also harbored a de novo variant in a separate gene that could possibly be the cause for the symptoms (PMID: 25725044); Published functional studies show that this variant has full electrophysiological activity with no change in biophysical properties; however, further studies are needed (PMID: 25725044); In silico analysis supports that this missense variant has a deleterious effect on protein structure/function; Not observed at significant frequency in large population cohorts (gnomAD); This substitution is predicted to be within the N-terminal cytoplasmic domain; This variant is associated with the following publications: (PMID: 25725044)

NM_001330260.2(SCN8A):c.172G>A (p.Asp58Asn)

Genes: SCN8A (sodium voltage-gated channel alpha subunit 8; plus strand), LOC114803470 (SCN8A eExon liver enhancer; plus strand). Cytogenetic location: 12q13.13.
Variant type: single nucleotide variant.
Coding change: c.172G>A on transcript NM_001330260.2 (MANE Select); coding-DNA position 172, G replaced by A.
Protein change: p.Asp58Asn; replaces aspartic acid 58 with asparagine.
Molecular consequence: missense variant.
Genome position (GRCh38, 1-based): chr12:51,662,989, G>A. VCF-style: chr12-51662989-G-A. GRCh37 (hg19) VCF-style: chr12-52056773-G-A.
Other names: c.172G>A, p.Asp58Asn (NM_001177984.3, NM_001369788.1, NM_014191.4); short protein forms D58N.
Identifiers: ClinVar variation 4537548 (VCV004537548.1).
Genomic context (GRCh38, chr12:51,662,989, plus strand): 5'-CCAAAGGCCGATGGCAGTCATCGGGAGGACGATGAGGACAGCAAGCCCAAGCCAAACAGC[G>A]ACCTGGAAGCAGGGAAGAGTTTGCCTTTCATCTACGGGGACATCCCCCAAGGCCTGGTTG-3'
Protein context (NP_001317189.1, residues 48-68): DEDSKPKPNS[Asp58Asn]LEAGKSLPFI